The following is an entry in ClinVar:

NM_001277062.2(MFF):c.156A>C (p.Gln52His)

Gene: MFF (mitochondrial fission factor; plus strand). Cytogenetic location: 2q36.3.
Variant type: single nucleotide variant.
Coding change: c.156A>C on transcript NM_001277062.2 (MANE Select); coding-DNA position 156, A replaced by C.
Protein change: p.Gln52His; replaces glutamine 52 with histidine.
Molecular consequence: missense variant.
Genome position (GRCh38, 1-based): chr2:227,330,821, A>C. VCF-style: chr2-227330821-A-C. GRCh37 (hg19) VCF-style: chr2-228195537-A-C.
Other names: c.234A>C, p.Gln78His (NM_001277061.2, NM_020194.5); c.156A>C, p.Gln52His (NM_001277063.2, NM_001277064.2, NM_001277065.2 and 2 more transcripts); c.6A>C, p.Gln2His (NM_001277067.1); c.234A>C (NM_020194.4); short protein forms Q78H, Q2H, Q52H.
Identifiers: ClinVar variation 1949030 (VCV001949030.6), dbSNP rs138259047, ClinGen allele CA2147802.

ClinVar aggregate classification (germline): Uncertain significance. Review status: criteria provided, multiple submitters, no conflicts (2 of 4 stars). 2 submissions from 2 submitters: Uncertain significance (2). Last evaluated 2025-03-18.

Conditions:
Inborn genetic diseases. Identifiers: MedGen C0950123, MeSH D030342.

Allele frequency attached by ClinVar (database versions not stated): ExAC 0.00003; TOPMed 0.00013; ESP Exome Variant Server 0.00015.
gnomAD v4.1: 23 of 1,614,034 alleles (0.0014%); highest among the groups gnomAD compares: African/African-American, 0.031%; no homozygotes.

Submissions (2):

Ambry Genetics
Classification: Uncertain significance for Inborn genetic diseases. Last evaluated: 2025-03-18. Review status: criteria provided, single submitter. Criteria: Ambry Variant Classification Scheme 2023. Collection method: clinical testing. Allele origin: germline.

Labcorp Genetics (formerly Invitae), Labcorp
Classification: Uncertain significance. Last evaluated: 2022-03-31. Review status: criteria provided, single submitter. Criteria: Invitae Variant Classification Sherloc (09022015). Collection method: clinical testing. Allele origin: germline.
Comment: This sequence change replaces glutamine, which is neutral and polar, with histidine, which is basic and polar, at codon 78 of the MFF protein (p.Gln78His). This variant is present in population databases (rs138259047, gnomAD 0.04%). This variant has not been reported in the literature in individuals affected with MFF-related conditions. Algorithms developed to predict the effect of missense changes on protein structure and function are either unavailable or do not agree on the potential impact of this missense change (SIFT: "Deleterious"; PolyPhen-2: "Benign"; Align-GVGD: "Class C0"). In summary, the available evidence is currently insufficient to determine the role of this variant in disease. Therefore, it has been classified as a Variant of Uncertain Significance.